The following is an entry in ClinVar:

NM_001148.6(ANK2):c.11211A>G (p.Ala3737=)

Gene: ANK2 (ankyrin 2; plus strand). Cytogenetic location: 4q26.
Variant type: single nucleotide variant.
Coding change: c.11211A>G on transcript NM_001148.6 (MANE Select); coding-DNA position 11211, A replaced by G.
Protein change: p.Ala3737=; no amino-acid change (alanine 3737 retained).
Molecular consequence: synonymous variant.
Genome position (GRCh38, 1-based): chr4:113,367,744, A>G. VCF-style: chr4-113367744-A-G. GRCh37 (hg19) VCF-style: chr4-114288900-A-G.
Other names: c.4929A>G, p.Ala1643= (NM_001127493.3); c.4968A>G, p.Ala1656= (NM_001354225.2); c.4857A>G, p.Ala1619= (NM_001354228.2, NM_001354258.2); c.4935A>G, p.Ala1645= (NM_001354230.2); c.4998A>G, p.Ala1666= (NM_001354231.2, NM_001354242.2); c.4992A>G, p.Ala1664= (NM_001354232.2); c.4953A>G, p.Ala1651= (NM_001354235.2, NM_001354246.2, NM_001354265.2); c.4854A>G, p.Ala1618= (NM_001354236.2); and 35 more.
Identifiers: ClinVar variation 2066924 (VCV002066924.13), dbSNP rs752461691, ClinGen allele CA3052245.

ClinVar aggregate classification (germline): Likely benign. Review status: criteria provided, multiple submitters, no conflicts (2 of 4 stars). 3 submissions from 3 submitters: Likely benign (3). Last evaluated 2025-07-01.

Conditions:
Cardiovascular phenotype. Identifiers: MedGen CN230736.
Long QT syndrome (LQTS). Identifiers: MedGen C0023976, MeSH D008133, MONDO:0002442. Disease mechanism: loss of function. Inheritance: Various modes of inheritance.

Allele frequency attached by ClinVar (database versions not stated): ExAC 0.00001; gnomAD exomes 0.00001; gnomAD 0.00003; TOPMed 0.00003.
gnomAD v4.1: 14 of 1,613,808 alleles (0.00087%); highest among the groups gnomAD compares: Non-Finnish European, 0.0012%; no homozygotes.

Submissions (3):

CeGaT Center for Human Genetics Tuebingen
Classification: Likely benign. Last evaluated: 2025-07-01. Review status: criteria provided, single submitter. Criteria: CeGaT Center For Human Genetics Tuebingen Variant Classification Criteria Version 2. Collection method: clinical testing. Allele origin: germline. Affected: yes. Observed: 1 variant allele.
Comment: ANK2: BP4, BP7

Labcorp Genetics (formerly Invitae), Labcorp
Classification: Likely benign for Long QT syndrome. Last evaluated: 2024-02-25. Review status: criteria provided, single submitter. Criteria: Invitae Variant Classification Sherloc (09022015). Collection method: clinical testing. Allele origin: germline.

Ambry Genetics
Classification: Likely benign for Cardiovascular phenotype. Last evaluated: 2023-09-28. Review status: criteria provided, single submitter. Criteria: Ambry Variant Classification Scheme 2023. Collection method: clinical testing. Allele origin: germline.